The following is an entry in ClinVar:

ClinVar aggregate classification (germline): Uncertain significance (1 of 4 stars; one submission).

Conditions:
Inborn genetic diseases. Identifiers: MedGen C0950123, MeSH D030342.

Submission:

Ambry Genetics
Classification: Uncertain significance for Inborn genetic diseases. Last evaluated: 2025-04-14. Review status: criteria provided, single submitter. Criteria: Ambry Variant Classification Scheme 2023. Collection method: clinical testing. Allele origin: germline.
Comment: The p.A276T variant (also known as c.826G>A), located in coding exon 6 of the G6PC3 gene, results from a G to A substitution at nucleotide position 826. The alanine at codon 276 is replaced by threonine, an amino acid with similar properties. This amino acid position is conserved. In addition, this alteration is predicted to be tolerated by in silico analysis. Based on the available evidence, the clinical significance of this variant remains unclear.

NM_138387.4(G6PC3):c.826G>A (p.Ala276Thr)

Gene: G6PC3 (glucose-6-phosphatase catalytic subunit 3; plus strand). Cytogenetic location: 17q21.31.
Variant type: single nucleotide variant.
Coding change: c.826G>A on transcript NM_138387.4 (MANE Select); coding-DNA position 826, G replaced by A.
Protein change: p.Ala276Thr; replaces alanine 276 with threonine.
Molecular consequence: missense variant. On other transcripts: 3 prime UTR variant (1).
Genome position (GRCh38, 1-based): chr17:44,075,828, G>A. VCF-style: chr17-44075828-G-A. GRCh37 (hg19) VCF-style: chr17-42153196-G-A.
Other names: c.*119G>A (NM_001319945.2); c.481G>A, p.Ala161Thr (NM_001384165.1, NM_001384166.1, NM_001384167.1 and 1 more transcripts); short protein forms A161T, A276T.
Identifiers: ClinVar variation 4027584 (VCV004027584.1).